The following is an entry in ClinVar:

ClinVar aggregate classification (germline): Uncertain significance (1 of 4 stars; one submission).

Conditions:
Hereditary sensory and autonomic neuropathy type 6. Also called: Neuropathy, hereditary sensory and autonomic, type VI; HSAN VI. Identifiers: Orphanet 314381, MedGen C3539003, MONDO:0013839, OMIM 614653.
Epidermolysis bullosa simplex 3, localized or generalized intermediate, with BP230 deficiency (EBS3). Also called: Epidermolysis bullosa simplex due to BP230 deficiency; Epidermolysis bullosa simplex, autosomal recessive 2. Identifiers: Orphanet 412181, MedGen C3809470, MONDO:0014180, OMIM 615425.

Allele frequency attached by ClinVar (database versions not stated): ExAC 0.00001; gnomAD 0.00001; gnomAD exomes 0.00001; TOPMed 0.00001.
gnomAD v4.1: 10 of 1,613,738 alleles (0.00062%); highest among the groups gnomAD compares: Admixed American, 0.005%; no homozygotes.

Submission:

Labcorp Genetics (formerly Invitae), Labcorp
Classification: Uncertain significance for Epidermolysis bullosa simplex 3, localized or generalized intermediate, with BP230 deficiency; Hereditary sensory and autonomic neuropathy type 6. Last evaluated: 2021-04-24. Review status: criteria provided, single submitter. Criteria: Invitae Variant Classification Sherloc (09022015). Collection method: clinical testing. Allele origin: germline.
Comment: This sequence change replaces glycine with serine at codon 1590 of the DST protein (p.Gly1590Ser). The DST gene has multiple clinically relevant transcripts. This variant occurs in alternate transcript NM_015548.4, and corresponds to NM_001723.5:c.*21765G>A in the primary transcript. This variant is present in population databases (rs771484852, ExAC 0.009%). This variant has not been reported in the literature in individuals with DST-related conditions. Experimental studies and prediction algorithms are not available or were not evaluated, and the functional significance of this variant is currently unknown. In summary, the available evidence is currently insufficient to determine the role of this variant in disease. Therefore, it has been classified as a Variant of Uncertain Significance.

NM_001374736.1(DST):c.12637G>A (p.Gly4213Ser)

Gene: DST (dystonin; minus strand). Cytogenetic location: 6p12.1.
Variant type: single nucleotide variant.
Coding change: c.12637G>A on transcript NM_001374736.1 (MANE Select); coding-DNA position 12637, G replaced by A.
Protein change: p.Gly4213Ser; replaces glycine 4213 with serine.
Molecular consequence: missense variant.
Genome position (GRCh38, 1-based): chr6:56,593,752, C>T on the plus strand (G>A on the coding strand, the complement: DST is on the minus strand). VCF-style: chr6-56593752-C-T. GRCh37 (hg19) VCF-style: chr6-56458550-C-T.
Other names: c.6280G>A, p.Gly2094Ser (NM_001144769.5); c.5866G>A, p.Gly1956Ser (NM_001144770.2); c.12637G>A, p.Gly4213Ser (NM_001374722.1); c.12004G>A, p.Gly4002Ser (NM_001374729.1); c.5746G>A, p.Gly1916Ser (NM_001374730.1, NM_001386100.1, NM_183380.4); c.12664G>A, p.Gly4222Ser (NM_001374734.1); c.4768G>A, p.Gly1590Ser (NM_015548.5); short protein forms G1590S, G2094S, G4213S, G1956S, G1916S, G4002S, G4222S.
Identifiers: ClinVar variation 1425651 (VCV001425651.6), dbSNP rs771484852, ClinGen allele CA3868429.
Genomic context (GRCh38, chr6:56,593,752, plus strand): 5'-TAGCATGATCCAACTTGCGCTGCACTTCTCTGTGGGTTGCAGAAGTATCAACCTTGCCAC[C>T]GTCTCTCTTGCTGCAAGATTTGGCAGCTTCCAACACTCTGTTTCCAGAAATTGTGATGTA-3'
Protein context (NP_001361665.1, residues 4203-4223): EAAKSCSKRD[Gly4213Ser]GKVDTSATHR